The following is an entry in ClinVar:

NM_170606.3(KMT2C):c.14463C>T (p.Asn4821=)

Gene: KMT2C (lysine methyltransferase 2C; minus strand). Cytogenetic location: 7q36.1.
Variant type: single nucleotide variant.
Coding change: c.14463C>T on transcript NM_170606.3 (MANE Select); coding-DNA position 14463, C replaced by T.
Protein change: p.Asn4821=; no amino-acid change (asparagine 4821 retained).
Molecular consequence: synonymous variant.
Genome position (GRCh38, 1-based): chr7:152,139,257, G>A on the plus strand (C>T on the coding strand, the complement: KMT2C is on the minus strand). VCF-style: chr7-152139257-G-A. GRCh37 (hg19) VCF-style: chr7-151836342-G-A.
Identifiers: ClinVar variation 1633117 (VCV001633117.32), dbSNP rs375023167, ClinGen allele CA4578394.

ClinVar aggregate classification (germline): Likely benign. Review status: criteria provided, multiple submitters, no conflicts (2 of 4 stars). 2 submissions from 2 submitters: Likely benign (2). Last evaluated 2025-09-04.

Allele frequency attached by ClinVar (database versions not stated): TOPMed 0.00007; ESP Exome Variant Server 0.00008; gnomAD 0.00009 and 0.00013; ExAC 0.00012; gnomAD exomes 0.00012.
gnomAD v4.1: 112 of 1,613,294 alleles (0.0069%); highest among the groups gnomAD compares: African/African-American, 0.041%; 1 homozygote.

Submissions (2):

Labcorp Genetics (formerly Invitae), Labcorp
Classification: Likely benign. Last evaluated: 2025-09-04. Review status: criteria provided, single submitter. Criteria: Invitae Variant Classification Sherloc (09022015). Collection method: clinical testing. Allele origin: germline.

CeGaT Center for Human Genetics Tuebingen
Classification: Likely benign. Last evaluated: 2023-05-01. Review status: criteria provided, single submitter. Criteria: CeGaT Center For Human Genetics Tuebingen Variant Classification Criteria Version 2. Collection method: clinical testing. Allele origin: germline. Affected: yes. Observed: 1 variant allele.
Comment: KMT2C: BP4, BP7